The following is an entry in ClinVar:

NM_000082.4(ERCC8):c.994G>T (p.Gly332Ter)

Gene: ERCC8 (ERCC excision repair 8, CSA ubiquitin ligase complex subunit; minus strand). Cytogenetic location: 5q12.1.
Variant type: single nucleotide variant.
Coding change: c.994G>T on transcript NM_000082.4 (MANE Select); coding-DNA position 994, G replaced by T.
Protein change: p.Gly332Ter; replaces glycine 332 with a stop codon.
Molecular consequence: nonsense.
Genome position (GRCh38, 1-based): chr5:60,890,936, C>A on the plus strand (G>T on the coding strand, the complement: ERCC8 is on the minus strand). VCF-style: chr5-60890936-C-A. GRCh37 (hg19) VCF-style: chr5-60186763-C-A.
Other names: c.820G>T, p.Gly274Ter (NM_001007233.3); c.535G>T, p.Gly179Ter (NM_001290285.2); short protein forms G274*, G332*, G179*.
Identifiers: ClinVar variation 1422572 (VCV001422572.6), dbSNP rs1257945890, ClinGen allele CA359823108.

ClinVar aggregate classification (germline): Pathogenic (1 of 4 stars; one submission).

Allele frequency attached by ClinVar (database versions not stated): gnomAD exomes below 0.00001; TOPMed 0.00002; gnomAD 0.00003 and 0.00004.
gnomAD v4.1: 8 of 1,613,428 alleles (0.0005%); highest among the groups gnomAD compares: African/African-American, 0.0027%; no homozygotes.

Submission:

Labcorp Genetics (formerly Invitae), Labcorp
Classification: Pathogenic. Last evaluated: 2024-01-04. Review status: criteria provided, single submitter. Criteria: Invitae Variant Classification Sherloc (09022015). Collection method: clinical testing. Allele origin: germline.
Comment: This sequence change creates a premature translational stop signal (p.Gly332*) in the ERCC8 gene. It is expected to result in an absent or disrupted protein product. Loss-of-function variants in ERCC8 are known to be pathogenic (PMID: 29572252). This variant is not present in population databases (gnomAD no frequency). This variant has not been reported in the literature in individuals affected with ERCC8-related conditions. ClinVar contains an entry for this variant (Variation ID: 1422572). Algorithms developed to predict the effect of sequence changes on RNA splicing suggest that this variant may disrupt the consensus splice site. For these reasons, this variant has been classified as Pathogenic.

Literature cited by the submitters: PubMed 29572252.